The following is an entry in ClinVar:

NM_001270508.2(TNFAIP3):c.422G>A (p.Arg141His)

Gene: TNFAIP3 (TNF alpha induced protein 3; plus strand). Cytogenetic location: 6q23.3.
Variant type: single nucleotide variant.
Coding change: c.422G>A on transcript NM_001270508.2 (MANE Select); coding-DNA position 422, G replaced by A.
Protein change: p.Arg141His; replaces arginine 141 with histidine.
Molecular consequence: missense variant.
Genome position (GRCh38, 1-based): chr6:137,874,971, G>A. VCF-style: chr6-137874971-G-A. GRCh37 (hg19) VCF-style: chr6-138196108-G-A.
Other names: c.422G>A, p.Arg141His (NM_001270507.2, NM_006290.4); short protein forms R141H.
Identifiers: ClinVar variation 2972563 (VCV002972563.3), dbSNP rs765554483, ClinGen allele CA148259878.
Genomic context (GRCh38, chr6:137,874,971, plus strand): 5'-TACTGAGGAAGGCGCTGTTCAGCACGCTCAAGGAAACAGACACACGCAACTTTAAATTCC[G>A]CTGGCAACTGGAGTCTCTCAAATCTCAGGAATTTGTTGAAACGGGGCTTTGCTATGATAC-3'
Protein context (NP_001257437.1, residues 131-151): KETDTRNFKF[Arg141His]WQLESLKSQE

ClinVar aggregate classification (germline): Uncertain significance (1 of 4 stars; one submission).

Submission:

Labcorp Genetics (formerly Invitae), Labcorp
Classification: Uncertain significance. Last evaluated: 2025-07-02. Review status: criteria provided, single submitter. Criteria: Invitae Variant Classification Sherloc (09022015). Collection method: clinical testing. Allele origin: germline.
Comment: This sequence change replaces arginine, which is basic and polar, with histidine, which is basic and polar, at codon 141 of the TNFAIP3 protein (p.Arg141His). This variant is present in population databases (rs765554483, gnomAD 0.003%). This variant has not been reported in the literature in individuals affected with TNFAIP3-related conditions. ClinVar contains an entry for this variant (Variation ID: 2972563). Invitae Evidence Modeling of protein sequence and biophysical properties (such as structural, functional, and spatial information, amino acid conservation, physicochemical variation, residue mobility, and thermodynamic stability) indicates that this missense variant is expected to disrupt TNFAIP3 protein function with a positive predictive value of 80%. In summary, the available evidence is currently insufficient to determine the role of this variant in disease. Therefore, it has been classified as a Variant of Uncertain Significance.